The following is an entry in ClinVar:

NM_031407.7(HUWE1):c.6169C>G (p.Gln2057Glu)

Gene: HUWE1 (HECT, UBA and WWE domain containing E3 ubiquitin protein ligase 1; minus strand). Cytogenetic location: Xp11.22.
Variant type: single nucleotide variant.
Coding change: c.6169C>G on transcript NM_031407.7 (MANE Select); coding-DNA position 6169, C replaced by G.
Protein change: p.Gln2057Glu; replaces glutamine 2057 with glutamic acid.
Molecular consequence: missense variant.
Genome position (GRCh38, 1-based): chrX:53,573,893, G>C on the plus strand (C>G on the coding strand, the complement: HUWE1 is on the minus strand). VCF-style: chrX-53573893-G-C. GRCh37 (hg19) VCF-style: chrX-53600853-G-C.
Other names: short protein forms Q2057E.
Identifiers: ClinVar variation 2097755 (VCV002097755.4), dbSNP rs2062958156, ClinGen allele CA413168711.

ClinVar aggregate classification (germline): Uncertain significance (1 of 4 stars; one submission).

Allele frequency attached by ClinVar (database versions not stated): gnomAD exomes below 0.00001.
gnomAD v4.1: 2 of 1,211,491 alleles (0.00017%); highest among the groups gnomAD compares: Non-Finnish European, 0.00022%; no homozygotes.

Submission:

Labcorp Genetics (formerly Invitae), Labcorp
Classification: Uncertain significance. Last evaluated: 2022-10-17. Review status: criteria provided, single submitter. Criteria: Invitae Variant Classification Sherloc (09022015). Collection method: clinical testing. Allele origin: germline.
Comment: Algorithms developed to predict the effect of missense changes on protein structure and function (SIFT, PolyPhen-2, Align-GVGD) all suggest that this variant is likely to be tolerated. In summary, the available evidence is currently insufficient to determine the role of this variant in disease. Therefore, it has been classified as a Variant of Uncertain Significance. This variant has not been reported in the literature in individuals affected with HUWE1-related conditions. This variant is not present in population databases (gnomAD no frequency). This sequence change replaces glutamine, which is neutral and polar, with glutamic acid, which is acidic and polar, at codon 2057 of the HUWE1 protein (p.Gln2057Glu).